The following is an entry in ClinVar:

ClinVar aggregate classification (germline): Conflicting classifications of pathogenicity. Review status: criteria provided, conflicting classifications (1 of 4 stars). 14 submissions from 14 submitters: Likely pathogenic (10); Uncertain significance (2). 2 of the submissions do not count toward it. Last evaluated 2026-09-17.

Conditions:
Hereditary cancer-predisposing syndrome. Also called: Tumor predisposition; Hereditary Cancer Syndrome; Hereditary neoplastic syndrome; Neoplastic Syndromes, Hereditary. Identifiers: Orphanet 140162, MedGen C0027672, MeSH D009386, MONDO:0015356.
Fanconi anemia, complementation group S (FANCS). Identifiers: MedGen C4554406, MONDO:0054748, OMIM 617883.
Breast-ovarian cancer, familial, susceptibility to, 1 (BROVCA1). Also called: BRCA1 Hereditary Breast and Ovarian Cancer; OVARIAN CANCER, SUSCEPTIBILITY TO. Identifiers: Orphanet 145, MedGen C2676676, MONDO:0011450, OMIM 604370. Disease mechanism: loss of function.
Familial cancer of breast. Also called: Hereditary breast cancer; BREAST CANCER, FAMILIAL; hereditary breast carcinoma. Identifiers: Orphanet 227535, MedGen C0346153, MONDO:0016419, OMIM 114480. Disease mechanism: loss of function.
BRCA1-related disorder. Also called: BRCA1-related condition.
Hereditary breast ovarian cancer syndrome. Also called: Hereditary breast and ovarian cancer; Hereditary breast and ovarian cancer syndrome; Hereditary breast and/or ovarian cancer syndrome; Hereditary breast and ovarian cancer syndrome (HBOC); BRCA1- and BRCA2-Associated Hereditary Breast and Ovarian Cancer; Breast and ovarian cancer. Identifiers: Orphanet 145, MedGen C0677776, MeSH D061325, MONDO:0003582. Disease mechanism: loss of function.

Allele frequency attached by ClinVar (database versions not stated): gnomAD exomes below 0.00001; TOPMed below 0.00001; gnomAD 0.00001.
gnomAD v4.1: 5 of 1,613,290 alleles (0.00031%); highest among the groups gnomAD compares: Non-Finnish European, 0.00042%; no homozygotes.

Submissions 1 to 6 of 14:

PreventionGenetics, part of Exact Sciences
Classification: Likely pathogenic for BRCA1-related condition. Last evaluated: 2026-09-17. Review status: criteria provided, single submitter. Criteria: ACMG Guidelines, 2015. Collection method: clinical testing. Allele origin: germline.
Comment: The BRCA1 c.5407-25T>A variant is predicted to interfere with splicing. This variant has been reported in over 20 families with a history of hereditary breast and/or ovarian cancer (Figure 1, Alenezi et al. 2022. PubMed ID: 35456503; Table 2, Høberg-Vetti et al. 2020. PubMed ID: 32203205; Table 2, Heramb et al. 2018. PubMed ID: 29339979; Table 2, Høberg-Vetti et al. 2016. PubMed ID: 26350514; Table 2, Hamann et al. 2003. PubMed ID: 12774040). This variant has also been reported in an individual with ovarian cancer where tumor DNA profiling identified loss of heterozygosity that resulted in wild-type allele dropout and retention of the c.5407-25T>A allele (Alenezi et al. 2022. PubMed ID: 35456503). Analysis of cDNA indicates this variant results in skipping of exon 23, leading to a frameshift and truncated protein, p.Gly1803GlnfsTer11 (Høberg-Vetti et al. 2020. PubMed ID: 32203205). In vitro experimental studies of this variant demonstrate reduced protein expression compared to wildtype (Høberg-Vetti et al. 2020. PubMed ID: 32203205). This variant is reported in 0.0015% individuals of European (Non-Finnish) descent in gnomAD. In ClinVar, this variant has conflicting interpretations of uncertain significance and likely pathogenic (Variation ID: 371817). This variant is interpreted as likely pathogenic.

Labcorp Genetics (formerly Invitae), Labcorp
Classification: Likely pathogenic for Hereditary breast ovarian cancer syndrome. Last evaluated: 2026-02-03. Review status: criteria provided, single submitter. Criteria: Invitae Variant Classification Sherloc (09022015). Collection method: clinical testing. Allele origin: germline.
Comment: This sequence change falls in intron 21 of the BRCA1 gene. It does not directly change the encoded amino acid sequence of the BRCA1 protein. RNA analysis indicates that this variant induces altered splicing and may result in an absent or altered protein product. This variant is present in population databases (rs758780152, gnomAD 0.002%). This variant has been observed in individual(s) with breast and/or ovarian cancer (PMID: 12774040, 24010542, 26350514, 29339979, 34981296, 35456503). This variant is also known as IVS22-25T>A. ClinVar contains an entry for this variant (Variation ID: 371817). Studies have shown that this variant results in skipping of exon 22, and produces a non-functional protein and/or introduces a premature termination codon (PMID: 32203205; internal data). In summary, the currently available evidence indicates that the variant is pathogenic, but additional data are needed to prove that conclusively. Therefore, this variant has been classified as Likely Pathogenic.

Variantyx, Inc.
Classification: Likely pathogenic for Breast-ovarian cancer, familial, susceptibility to, 1. Last evaluated: 2025-12-11. Review status: criteria provided, single submitter. Criteria: Variantyx Assertion Criteria 2022. Collection method: clinical testing. Allele origin: germline. Inheritance: Autosomal dominant inheritance.
Comment: This is an intronic variant in the BRCA1 gene (OMIM: 113705). Pathogenic variants in this gene have been associated with autosomal dominant susceptibility to familial breast-ovarian cancer 1. This splicing variant is expected to lead to exon skipping, resulting in a frameshift event and protein truncation, which is a known disease mechanism for BRCA1 (PMID: 32203205) (PVS1). Functional analysis of patient-derived tissue confirmed skipping of exon 23, resulting in a frameshift and protein truncation (PMID:32203205). The variant has a 0.0015% maximum allele frequency in non-founder control populations (PM2), and it has been reported in the heterozygous state in many unrelated affected individuals with breast and/or ovarian cancer (PMID: 12774040, 24010542, 26350514, 29339979, 34981296, 35456503). Based on the curent evidence, this variant is classified as likely pathogenic for autosomal dominant susceptibility to familial breast-ovarian cancer 1.

Ambry Genetics
Classification: Likely pathogenic for Hereditary cancer-predisposing syndrome. Last evaluated: 2025-09-20. Review status: criteria provided, single submitter. Criteria: Ambry Variant Classification Scheme 2023. Collection method: clinical testing. Allele origin: germline.
Comment: The c.5407-25T>A intronic variant results from a T to A substitution 25 nucleotides upstream from coding exon 21 in the BRCA1 gene. Of note, this variant is also referred to as IVS22-25A>T in the literature. This variant has been identified in multiple patients with a personal or family history of breast and/or ovarian cancer (Hamann U et al. Eur J Hum Genet, 2003 Jun;11:464-7; Konstantopoulou I et al. Clin Genet, 2014 Jan;85:36-42; H&oslash;berg-Vetti H et al. Eur J Hum Genet, 2016 06;24:881-8; Heramb C et al. Hered Cancer Clin Pract, 2018 Jan;16:3; Alenezi WM et al. Genes (Basel), 2022 Apr;13:). One publication reports that this variant may have reduced penetrance based on clinical data from 20 families with the variant (H&oslash;berg-Vetti H et al. Eur J Hum Genet . 2020 08;28(8):1078-1086). This nucleotide position is well conserved in available vertebrate species. In silico splice site analysis predicts that this alteration may weaken the native splice acceptor site. RNA studies have demonstrated that this alteration results in abnormal splicing in the set of samples tested (Ambry internal data; H&oslash;berg-Vetti H et al. Eur. J. Hum. Genet., 2016 06;24:881-8; H&oslash;berg-Vetti H et al. Eur J Hum Genet . 2020 08;28(8):1078-1086). However, the splicing impact may not be complete, as at least one study reported some normally spliced transcript originating from the variant allele as assessed by use of a downstream polymorphism as an allelic marker (H&oslash;berg-Vetti H et al. Eur J Hum Genet. 2020 08;28(8):1078-1086). Based on the majority of available evidence to date, this variant is likely to be pathogenic; however, because the splicing impact may not be complete and clinical data is suggestive of possible reduced penetrance, carriers of this variant and their families may present with reduced risks, and not with the typical clinical characteristics of a high-risk pathogenic BRCA2 alteration. As risk estimates are unknown at this time, clinical correlation is advised.

CeGaT Center for Human Genetics Tuebingen
Classification: Likely pathogenic. Last evaluated: 2025-08-01. Review status: criteria provided, single submitter. Criteria: CeGaT Center For Human Genetics Tuebingen Variant Classification Criteria Version 2. Collection method: clinical testing. Allele origin: germline. Affected: yes. Observed: 2 variant alleles.
Comment: BRCA1: PM2, PS3:Moderate, PS4:Moderate

Color Diagnostics, LLC DBA Color Health
Classification: Likely pathogenic for Hereditary cancer-predisposing syndrome. Last evaluated: 2025-06-18. Review status: criteria provided, single submitter. Criteria: ACMG Guidelines, 2015. Collection method: clinical testing. Allele origin: germline.
Comment: This variant causes a T>A nucleotide substitution at the -25 position in intron 21 of the BRCA1 gene. Splice site prediction tools predict that this variant may have a significant impact on RNA splicing. An RNA study has reported the out-of-frame skipping of exon 22 that is expected to cause the absent or non-function protein product (PMID: 26350514, 32203205). To our knowledge, functional studies have not been reported for this variant. This variant has been reported in over 18 individuals affected with breast and/or ovarian cancer and in additional suspected hereditary breast and ovarian cancer families (PMID: 12774040, 24010542, 26350514, 29339979, 32203205, 35456503). This variant has been identified in 2/282796 chromosomes in the general population by the Genome Aggregation Database (gnomAD). Loss of BRCA1 function is a known mechanism of disease. Based on the available evidence, this variant is classified as Likely Pathogenic.

NM_007294.4(BRCA1):c.5407-25T>A

Gene: BRCA1 (BRCA1 DNA repair associated; minus strand). Cytogenetic location: 17q21.31.
Variant type: single nucleotide variant.
Coding change: c.5407-25T>A on transcript NM_007294.4 (MANE Select); 25 bases into the intron before coding-DNA position 5407, T replaced by A.
Molecular consequence: intron variant.
Genome position (GRCh38, 1-based): chr17:43,047,728, A>T on the plus strand (T>A on the coding strand, the complement: BRCA1 is on the minus strand). VCF-style: chr17-43047728-A-T. GRCh37 (hg19) VCF-style: chr17-41199745-A-T.
Other names: c.1954-25T>A (NM_001408458.1, NM_001408461.1, NM_001408464.1 and 7 more transcripts); c.4516-25T>A (NM_001407967.1); c.5026-25T>A (NM_001407959.1); c.5140-25T>A (NM_001407931.1, NM_001407932.1, NM_001407928.1 and 4 more transcripts); c.5263-25T>A (NM_001407747.1, NM_001407745.1, NM_001407737.1 and 18 more transcripts); c.5023-25T>A (NM_001407962.1, NM_001407960.1); c.1594-25T>A (NM_001408512.1); c.1717-25T>A (NM_001408510.1); and 83 more.
Identifiers: ClinVar variation 371817 (VCV000371817.44), dbSNP rs758780152, ClinGen allele CA16042163.